The following is an entry in ClinVar:

NM_001099403.2(PRDM8):c.1055C>A (p.Pro352Gln)

Gene: PRDM8 (PR/SET domain 8; plus strand). Cytogenetic location: 4q21.21.
Variant type: single nucleotide variant.
Coding change: c.1055C>A on transcript NM_001099403.2 (MANE Select); coding-DNA position 1055, C replaced by A.
Protein change: p.Pro352Gln; replaces proline 352 with glutamine.
Molecular consequence: missense variant.
Genome position (GRCh38, 1-based): chr4:80,202,517, C>A. VCF-style: chr4-80202517-C-A. GRCh37 (hg19) VCF-style: chr4-81123671-C-A.
Other names: c.1055C>A, p.Pro352Gln (NM_020226.4); short protein forms P352Q.
Identifiers: ClinVar variation 1521990 (VCV001521990.8), dbSNP rs1332727339, ClinGen allele CA357397970.

ClinVar aggregate classification (germline): Uncertain significance (1 of 4 stars; one submission).

Conditions:
Early-onset Lafora body disease. Also called: Epilepsy, progressive myoclonic, 10. Identifiers: Orphanet 324290, MedGen C4225258, MONDO:0014717, OMIM 616640.

Allele frequency attached by ClinVar (database versions not stated): gnomAD 0.00001; gnomAD exomes 0.00001; TOPMed 0.00001.

Submission:

Labcorp Genetics (formerly Invitae), Labcorp
Classification: Uncertain significance for Early-onset Lafora body disease. Last evaluated: 2024-02-05. Review status: criteria provided, single submitter. Criteria: Invitae Variant Classification Sherloc (09022015). Collection method: clinical testing. Allele origin: germline.
Comment: This sequence change replaces proline, which is neutral and non-polar, with glutamine, which is neutral and polar, at codon 352 of the PRDM8 protein (p.Pro352Gln). The frequency data for this variant in the population databases is considered unreliable, as metrics indicate poor data quality at this position in the gnomAD database. This variant has not been reported in the literature in individuals affected with PRDM8-related conditions. ClinVar contains an entry for this variant (Variation ID: 1521990). Advanced modeling of protein sequence and biophysical properties (such as structural, functional, and spatial information, amino acid conservation, physicochemical variation, residue mobility, and thermodynamic stability) performed at Invitae indicates that this missense variant is not expected to disrupt PRDM8 protein function with a negative predictive value of 80%. In summary, the available evidence is currently insufficient to determine the role of this variant in disease. Therefore, it has been classified as a Variant of Uncertain Significance.